The following is an entry in ClinVar:

NM_001127898.4(CLCN5):c.1244G>A (p.Arg415Gln)

Gene: CLCN5 (Cl-/H+ antiporter 5; plus strand). Cytogenetic location: Xp11.23.
Variant type: single nucleotide variant.
Coding change: c.1244G>A on transcript NM_001127898.4 (MANE Select); coding-DNA position 1244, G replaced by A.
Protein change: p.Arg415Gln; replaces arginine 415 with glutamine.
Molecular consequence: missense variant.
Genome position (GRCh38, 1-based): chrX:50,086,557, G>A. VCF-style: chrX-50086557-G-A. GRCh37 (hg19) VCF-style: chrX-49851214-G-A.
Other names: p.Arg345Gln; c.1034G>A, p.Arg345Gln (NM_000084.5); c.1244G>A, p.Arg415Gln (NM_001127899.4); c.1094G>A, p.Arg365Gln (NM_001282163.2); short protein forms R345Q, R415Q, R365Q.
Identifiers: ClinVar variation 368480 (VCV000368480.42), dbSNP rs190451218, ClinGen allele CA10413852.

ClinVar aggregate classification (germline): Benign/Likely benign. Review status: criteria provided, multiple submitters, no conflicts (2 of 4 stars). 5 submissions from 5 submitters: Benign (2); Likely benign (3). Last evaluated 2025-12-27.

Conditions:
CLCN5-related disorder. Also called: CLCN5-related condition.

Allele frequency attached by ClinVar (database versions not stated): gnomAD 0.00005; ESP Exome Variant Server 0.00038; TOPMed 0.00050; 1000 Genomes Project 30x 0.00083; 1000 Genomes Project 0.00106.
gnomAD v4.1: 620 of 1,208,533 alleles (0.051%); highest among the groups gnomAD compares: Admixed American, 0.064%; no homozygotes.

Submissions (5):

Labcorp Genetics (formerly Invitae), Labcorp
Classification: Benign. Last evaluated: 2025-12-27. Review status: criteria provided, single submitter. Criteria: Invitae Variant Classification Sherloc (09022015). Collection method: clinical testing. Allele origin: germline.

PreventionGenetics, part of Exact Sciences
Classification: Benign for CLCN5-related condition. Last evaluated: 2025-07-30. Review status: criteria provided, single submitter. Criteria: ACMG Guidelines, 2015. Collection method: clinical testing. Allele origin: germline.
Comment: This variant is classified as benign based on ACMG/AMP sequence variant interpretation guidelines (Richards et al. 2015 PMID: 25741868, with internal and published modifications).

Mayo Clinic Laboratories, Mayo Clinic
Classification: Likely benign. Last evaluated: 2025-06-04. Review status: criteria provided, single submitter. Criteria: ACMG Guidelines, 2015. Collection method: clinical testing. Allele origin: germline. Observed: 1 variant allele.
Comment: BS1, BS2, PP3

Blueprint Genetics
Classification: Likely benign. Last evaluated: 2024-10-04. Review status: criteria provided, single submitter. Criteria: ACMG Guidelines, 2015. Collection method: clinical testing. Allele origin: germline.

CeGaT Center for Human Genetics Tuebingen
Classification: Likely benign. Last evaluated: 2023-03-01. Review status: criteria provided, single submitter. Criteria: CeGaT Center For Human Genetics Tuebingen Variant Classification Criteria Version 2. Collection method: clinical testing. Allele origin: germline. Affected: yes. Observed: 2 variant alleles.
Comment: CLCN5: BS2

Literature cited by the submitters: PubMed 27117801 (cited by Mayo Clinic Laboratories, Mayo Clinic); PubMed 31852738 (cited by Mayo Clinic Laboratories, Mayo Clinic).